The following is an entry in ClinVar:

ClinVar aggregate classification (germline): Likely pathogenic (1 of 4 stars; one submission).

Conditions:
DCC-related disorder. Also called: DCC-related condition.

Allele frequency attached by ClinVar (database versions not stated): gnomAD exomes below 0.00001; ExAC 0.00001.
gnomAD v4.1: 2 of 1,614,078 alleles (0.00012%); highest among the groups gnomAD compares: Non-Finnish European, 0.00017%; no homozygotes.

Submission:

PreventionGenetics, part of Exact Sciences
Classification: Likely pathogenic for DCC-related condition. Last evaluated: 2025-08-25. Review status: criteria provided, single submitter. Criteria: ACMG Guidelines, 2015. Collection method: clinical testing. Allele origin: germline.
Comment: The DCC c.4009C>T variant is predicted to result in premature protein termination (p.Arg1337*). This variant was previously reported in the heterozygous state in one family (Collins Hutchinson et al. 2024. PubMed ID: 38314870). Of the 11 individuals tested within the family, nine harbored this variant; six were affected, and 2 unaffected, suggesting incomplete penetrance (Collins Hutchinson et al. 2024. PubMed ID: 38314870). This variant is reported in 0.0046% of alleles in individuals of European (Finnish) descent in gnomAD. Nonsense variants in DCC are expected to be pathogenic. This variant is interpreted as likely pathogenic.

NM_005215.4(DCC):c.4009C>T (p.Arg1337Ter)

Gene: DCC (DCC netrin 1 receptor; plus strand). Cytogenetic location: 18q21.2.
Variant type: single nucleotide variant.
Coding change: c.4009C>T on transcript NM_005215.4 (MANE Select); coding-DNA position 4009, C replaced by T.
Protein change: p.Arg1337Ter; replaces arginine 1337 with a stop codon.
Molecular consequence: nonsense.
Genome position (GRCh38, 1-based): chr18:53,499,408, C>T. VCF-style: chr18-53499408-C-T. GRCh37 (hg19) VCF-style: chr18-51025778-C-T.
Other names: c.4009C>T (NM_005215.3); short protein forms R1337*.
Identifiers: ClinVar variation 1802656 (VCV001802656.2), dbSNP rs773315729.